The following is an entry in ClinVar:

ClinVar aggregate classification (germline): Likely pathogenic (1 of 4 stars; one submission).

Conditions:
Hereditary cancer-predisposing syndrome. Also called: Neoplastic Syndromes, Hereditary; Hereditary Cancer Syndrome; Tumor predisposition; Hereditary neoplastic syndrome. Identifiers: Orphanet 140162, MedGen C0027672, MeSH D009386, MONDO:0015356.

gnomAD v4.1: 1 of 1,613,934 alleles (0.000062%); no homozygotes.

Submission:

Ambry Genetics
Classification: Likely pathogenic for Hereditary cancer-predisposing syndrome. Last evaluated: 2025-02-10. Review status: criteria provided, single submitter. Criteria: Ambry Variant Classification Scheme 2023. Collection method: clinical testing. Allele origin: germline.
Comment: The p.L234P variant (also known as c.701T>C), located in coding exon 7 of the SDHB gene, results from a T to C substitution at nucleotide position 701. The leucine at codon 234 is replaced by proline, an amino acid with similar properties. This variant was reported in individual(s) with features consistent with SDHB-related paraganglioma-pheochromocytoma syndrome (Ambry internal data; Ben Aim L et al. J Med Genet, 2022 Aug;59:785-792). This amino acid position is highly conserved in available vertebrate species. In addition, this alteration is predicted to be deleterious by in silico analysis. Based on the majority of available evidence to date, this variant is likely to be pathogenic.

Literature cited by the submitters: PubMed 34452955.

NM_003000.3(SDHB):c.701T>C (p.Leu234Pro)

Gene: SDHB (succinate dehydrogenase complex iron sulfur subunit B; minus strand). Cytogenetic location: 1p36.13.
Variant type: single nucleotide variant.
Coding change: c.701T>C on transcript NM_003000.3 (MANE Select); coding-DNA position 701, T replaced by C.
Protein change: p.Leu234Pro; replaces leucine 234 with proline.
Molecular consequence: missense variant.
Genome position (GRCh38, 1-based): chr1:17,022,672, A>G on the plus strand (T>C on the coding strand, the complement: SDHB is on the minus strand). VCF-style: chr1-17022672-A-G. GRCh37 (hg19) VCF-style: chr1-17349167-A-G.
Other names: c.647T>C, p.Leu216Pro (NM_001407361.1); short protein forms L234P, L216P.
Identifiers: ClinVar variation 3793586 (VCV003793586.1).